The following is an entry in ClinVar:

ClinVar aggregate classification (germline): Uncertain significance (1 of 4 stars; one submission).

Conditions:
Congenital myasthenic syndrome 18. Also called: MYASTHENIC SYNDROME, CONGENITAL, 18, WITH INTELLECTUAL DISABILITY AND ATAXIA. Identifiers: Orphanet 590, MedGen C4225364, MONDO:0014590, OMIM 616330.

Submission:

Labcorp Genetics (formerly Invitae), Labcorp
Classification: Uncertain significance for Congenital myasthenic syndrome 18. Last evaluated: 2019-03-28. Review status: criteria provided, single submitter. Criteria: Invitae Variant Classification Sherloc (09022015). Collection method: clinical testing. Allele origin: germline.
Comment: This variant, c.144_146dup, results in the insertion of 1 amino acid(s) to the SNAP25 protein (p.Val48_Met49insIle), but otherwise preserves the integrity of the reading frame. This variant is not present in population databases (ExAC no frequency). This variant has not been reported in the literature in individuals with SNAP25-related conditions. Experimental studies and prediction algorithms are not available for this variant, and the functional significance of the affected amino acid(s) is currently unknown. In summary, the available evidence is currently insufficient to determine the role of this variant in disease. Therefore, it has been classified as a Variant of Uncertain Significance.

NM_130811.4(SNAP25):c.144_146dup (p.Val48_Met49insIle)

Gene: SNAP25 (synaptosome associated protein 25; plus strand). Cytogenetic location: 20p12.2.
Variant type: Duplication.
Coding change: c.144_146dup on transcript NM_130811.4 (MANE Select); coding-DNA positions 144 to 146, 3 bases duplicated (TAT; older notation c.144_146dupTAT).
Protein change: p.Val48_Met49insIle.
Molecular consequence: inframe insertion.
Genome position (GRCh38, 1-based): chr20:10,284,753-10,284,755, TAT duplicated; duplicating any 3 consecutive bases within chr20:10,284,752-10,284,755 gives the same sequence; the c. name uses the placement nearest the transcript's 3' end. VCF-style (leftmost placement, unchanged base first): chr20-10284751-G-GTTA. GRCh37 (hg19) VCF-style: chr20-10265399-G-GTTA.
Other names: c.144_146dup, p.Val48_Met49insIle (NM_001322902.2, NM_001322903.2, NM_001322904.2 and 7 more transcripts).
Identifiers: ClinVar variation 949561 (VCV000949561.9), dbSNP rs2063842805, ClinGen allele CA1139666650.